The following is an entry in ClinVar:

NM_003482.4(KMT2D):c.3866G>A (p.Gly1289Glu)

Genes: KMT2D (lysine methyltransferase 2D; minus strand), LOC126861520 (CDK7 strongly-dependent group 2 enhancer GRCh37_chr12:49442744-49443943; plus strand). Cytogenetic location: 12q13.12.
Variant type: single nucleotide variant.
Coding change: c.3866G>A on transcript NM_003482.4 (MANE Select); coding-DNA position 3866, G replaced by A.
Protein change: p.Gly1289Glu; replaces glycine 1289 with glutamic acid.
Molecular consequence: missense variant.
Genome position (GRCh38, 1-based): chr12:49,049,722, C>T on the plus strand (G>A on the coding strand, the complement: KMT2D is on the minus strand). VCF-style: chr12-49049722-C-T. GRCh37 (hg19) VCF-style: chr12-49443505-C-T.
Other names: short protein forms G1289E.
Identifiers: ClinVar variation 3600754 (VCV003600754.1).

ClinVar aggregate classification (germline): Uncertain significance (1 of 4 stars; one submission).

gnomAD v4.1: 2 of 1,603,170 alleles (0.00012%); highest among the groups gnomAD compares: Non-Finnish European, 0.00017%; no homozygotes.

Submission:

GeneDx
Classification: Uncertain significance. Last evaluated: 2024-07-19. Review status: criteria provided, single submitter. Criteria: GeneDx Variant Classification Process June 2021. Collection method: clinical testing. Allele origin: germline. Affected: yes.
Comment: Not observed at significant frequency in large population cohorts (gnomAD); In silico analysis indicates that this missense variant does not alter protein structure/function; Has not been previously published as pathogenic or benign to our knowledge